The following is an entry in ClinVar:

NM_001134673.4(NFIA):c.1436G>T (p.Ser479Ile)

Gene: NFIA (nuclear factor I A; plus strand). Cytogenetic location: 1p31.3.
Variant type: single nucleotide variant.
Coding change: c.1436G>T on transcript NM_001134673.4 (MANE Select); coding-DNA position 1436, G replaced by T.
Protein change: p.Ser479Ile; replaces serine 479 with isoleucine.
Molecular consequence: missense variant. On other transcripts: intron variant (1).
Genome position (GRCh38, 1-based): chr1:61,426,480, G>T. VCF-style: chr1-61426480-G-T. GRCh37 (hg19) VCF-style: chr1-61892152-G-T.
Other names: c.1436G>T (NM_001134673.3); c.1412G>T, p.Ser471Ile (NM_001145511.2); c.1571G>T, p.Ser524Ile (NM_001145512.2); c.1420+19753G>T (NM_005595.5); short protein forms S471I, S479I, S524I.
Identifiers: ClinVar variation 2430450 (VCV002430450.2), dbSNP rs2525386233, ClinGen allele CA340587548.

ClinVar aggregate classification (germline): Uncertain significance. Review status: criteria provided, multiple submitters, no conflicts (2 of 4 stars). 2 submissions from 2 submitters: Uncertain significance (2). Last evaluated 2026-01-28.

Conditions:
NFIA-Related Disorder. Also called: NFIA-related condition; NFIA-related disorders. Identifiers: MedGen CN381099.

Submissions (2):

PreventionGenetics, part of Exact Sciences
Classification: Uncertain significance for NFIA-related condition. Last evaluated: 2026-01-28. Review status: criteria provided, single submitter. Criteria: ACMG Guidelines, 2015. Collection method: clinical testing. Allele origin: germline.
Comment: The NFIA c.1436G>T variant is predicted to result in the amino acid substitution p.Ser479Ile. In an alternative transcript, this variant is designated as a deep intronic variant (NM_005595:c.1420+19753G>T). To our knowledge, this variant has not been reported in the literature or in a large population database (gnomAD), indicating this variant is rare. At this time, the clinical significance of this variant is uncertain due to the absence of conclusive functional and genetic evidence.

GeneDx
Classification: Uncertain significance. Last evaluated: 2022-08-22. Review status: criteria provided, single submitter. Criteria: GeneDx Variant Classification Process June 2021. Collection method: clinical testing. Allele origin: germline. Affected: yes.
Comment: Not observed at significant frequency in large population cohorts (gnomAD); In silico analysis supports that this missense variant does not alter protein structure/function; Has not been previously published as pathogenic or benign to our knowledge; Reported using an alternate transcript of the gene